The following is an entry in ClinVar:

NM_004928.3(CFAP410):c.85C>T (p.Arg29Cys)

Gene: CFAP410 (cilia and flagella associated protein 410; minus strand). Cytogenetic location: 21q22.3.
Variant type: single nucleotide variant.
Coding change: c.85C>T on transcript NM_004928.3 (MANE Select); coding-DNA position 85, C replaced by T.
Protein change: p.Arg29Cys; replaces arginine 29 with cysteine.
Molecular consequence: missense variant. On other transcripts: 5 prime UTR variant (1).
Genome position (GRCh38, 1-based): chr21:44,337,660, G>A on the plus strand (C>T on the coding strand, the complement: CFAP410 is on the minus strand). VCF-style: chr21-44337660-G-A. GRCh37 (hg19) VCF-style: chr21-45757543-G-A.
Other names: c.85C>T, p.Arg29Cys (NM_001271440.2, NM_001271441.2); c.-127C>T (NM_001271442.1); short protein forms R29C.
Identifiers: ClinVar variation 1377773 (VCV001377773.9), dbSNP rs748809757, ClinGen allele CA10053878.

ClinVar aggregate classification (germline): Uncertain significance. Review status: criteria provided, multiple submitters, no conflicts (2 of 4 stars). 2 submissions from 2 submitters: Uncertain significance (2). Last evaluated 2023-10-03.

Allele frequency attached by ClinVar (database versions not stated): ExAC 0.00001; gnomAD exomes 0.00001; TOPMed 0.00001.

Submissions (2):

Labcorp Genetics (formerly Invitae), Labcorp
Classification: Uncertain significance. Last evaluated: 2023-10-03. Review status: criteria provided, single submitter. Criteria: Invitae Variant Classification Sherloc (09022015). Collection method: clinical testing. Allele origin: germline.
Comment: This sequence change replaces arginine, which is basic and polar, with cysteine, which is neutral and slightly polar, at codon 29 of the CFAP410 protein (p.Arg29Cys). This variant is present in population databases (rs748809757, gnomAD 0.007%). This variant has not been reported in the literature in individuals affected with CFAP410-related conditions. ClinVar contains an entry for this variant (Variation ID: 1377773). Advanced modeling of protein sequence and biophysical properties (such as structural, functional, and spatial information, amino acid conservation, physicochemical variation, residue mobility, and thermodynamic stability) performed at Invitae indicates that this missense variant is not expected to disrupt CFAP410 protein function. In summary, the available evidence is currently insufficient to determine the role of this variant in disease. Therefore, it has been classified as a Variant of Uncertain Significance.

Blueprint Genetics
Classification: Uncertain significance. Last evaluated: 2023-04-19. Review status: criteria provided, single submitter. Criteria: ACMG Guidelines, 2015. Collection method: clinical testing. Allele origin: germline.